The following is an entry in ClinVar:

ClinVar aggregate classification (germline): Uncertain significance. Review status: criteria provided, multiple submitters, no conflicts (2 of 4 stars). 4 submissions from 4 submitters: Uncertain significance (4). Last evaluated 2025-11-25.

Conditions:
Hereditary cancer-predisposing syndrome. Also called: Neoplastic Syndromes, Hereditary; Tumor predisposition; Hereditary neoplastic syndrome; Hereditary Cancer Syndrome. Identifiers: Orphanet 140162, MedGen C0027672, MeSH D009386, MONDO:0015356.
Intellectual disability, autosomal dominant 16 (CSS4). Also called: COFFIN-SIRIS SYNDROME 4. Identifiers: Orphanet 1465, MedGen C3553249, MONDO:0013821, OMIM 614609.
Rhabdoid tumor predisposition syndrome 2 (RTPS2). Identifiers: Orphanet 231108, Orphanet 69077, MedGen C2750074, MONDO:0013224, OMIM 613325.

Allele frequency attached by ClinVar (database versions not stated): TOPMed below 0.00001.

Submissions (4):

Labcorp Genetics (formerly Invitae), Labcorp
Classification: Uncertain significance for Rhabdoid tumor predisposition syndrome 2. Last evaluated: 2025-11-25. Review status: criteria provided, single submitter. Criteria: Invitae Variant Classification Sherloc (09022015). Collection method: clinical testing. Allele origin: germline.
Comment: This sequence change affects an acceptor splice site in intron 4 of the SMARCA4 gene. RNA analysis indicates that this variant induces altered splicing and likely results in the loss of multiple amino acid residue(s), but is expected to preserve the integrity of the reading-frame. This variant is not present in population databases (gnomAD no frequency). This variant has not been reported in the literature in individuals affected with SMARCA4-related conditions. ClinVar contains an entry for this variant (Variation ID: 827153). Studies have shown that disruption of this splice site is associated with altered splicing resulting in multiple in-frame RNA products (internal data). In summary, the available evidence is currently insufficient to determine the role of this variant in disease. Therefore, it has been classified as a Variant of Uncertain Significance.

Ambry Genetics
Classification: Uncertain significance for Hereditary cancer-predisposing syndrome. Last evaluated: 2025-08-19. Review status: criteria provided, single submitter. Criteria: Ambry Variant Classification Scheme 2023. Collection method: clinical testing. Allele origin: germline.
Comment: The c.761-2A>T intronic variant results from an A to T substitution two nucleotides upstream from coding exon 4 in the SMARCA4 gene. This nucleotide position is highly conserved in available vertebrate species. In silico splice site analysis predicts that this alteration will weaken the native splice acceptor site and will result in the creation or strengthening of a novel splice acceptor site; however, direct evidence is insufficient at this time (Ambry internal data). Alterations that disrupt the canonical splice site are expected to cause aberrant splicing, resulting in an abnormal protein or a transcript that is subject to nonsense-mediated mRNA decay. However, this alteration is predicted to lead to an in-frame RNA impact and the exact functional implication is unknown at this time. This variant has been detected in multiple individuals with no reported features of Coffin-Siris syndrome (Ambry internal data). Based on the supporting evidence, the association of this alteration with rhabdoid tumor predisposition syndrome is unknown; however, the association of this alteration with Coffin-Siris syndrome is unlikely.

Genome-Nilou Lab
Classification: Uncertain significance for Intellectual disability, autosomal dominant 16. Last evaluated: 2021-07-15. Review status: criteria provided, single submitter. Criteria: ACMG Guidelines, 2015. Collection method: clinical testing. Allele origin: germline. Affected: no.

GeneDx
Classification: Uncertain significance. Last evaluated: 2019-12-19. Review status: criteria provided, single submitter. Criteria: GeneDx Variant Classification Process June 2021. Collection method: clinical testing. Allele origin: germline. Affected: yes.
Comment: Canonical splice site variant predicted to result in an in-frame deletion of exon 5; Not observed in large population cohorts (Lek 2016); Has not been previously published as pathogenic or benign to our knowledge

NM_003072.5(SMARCA4):c.761-2A>T

Gene: SMARCA4 (SWI/SNF related BAF chromatin remodeling complex subunit ATPase 4; plus strand). Cytogenetic location: 19p13.2.
Variant type: single nucleotide variant.
Coding change: c.761-2A>T on transcript NM_003072.5 (MANE Select); the canonical splice acceptor site of the intron before coding-DNA position 761, A replaced by T.
Molecular consequence: splice acceptor variant.
Genome position (GRCh38, 1-based): chr19:10,986,903, A>T. VCF-style: chr19-10986903-A-T. GRCh37 (hg19) VCF-style: chr19-11097579-A-T.
Other names: c.761-2A>T (NM_001128844.3, NM_001128849.3, NM_001128847.4 and 6 more transcripts).
Identifiers: ClinVar variation 827153 (VCV000827153.18), dbSNP rs1479379455, ClinGen allele CA404057794.
Genomic context (GRCh38, chr19:10,986,903, plus strand): 5'-GGCTGGGCGCAGGCATAAACCTGGGACGCACTGTTTTCTCTTTTGTTTCTCCCTACATGT[A>T]GGTATGGGAGGGCCCAACATGCCTCCCCCAGGACCCTCGGGCGTGCCCCCCGGGATGCCA-3'